The following is an entry in ClinVar:

ClinVar aggregate classification (germline): Uncertain significance (1 of 4 stars; one submission).

Submission:

GeneDx
Classification: Uncertain significance. Last evaluated: 2019-12-19. Review status: criteria provided, single submitter. Criteria: GeneDx Variant Classification Process June 2021. Collection method: clinical testing. Allele origin: germline. Affected: yes.
Comment: Not observed in large population cohorts (Lek et al., 2016); In silico analysis, which includes protein predictors and evolutionary conservation, supports a deleterious effect; Has not been previously published as pathogenic or benign to our knowledge

NM_001347721.2(DYRK1A):c.117G>T (p.Gln39His)

Gene: DYRK1A (dual specificity tyrosine phosphorylation regulated kinase 1A; plus strand). Cytogenetic location: 21q22.13.
Variant type: single nucleotide variant.
Coding change: c.117G>T on transcript NM_001347721.2 (MANE Select); coding-DNA position 117, G replaced by T.
Protein change: p.Gln39His; replaces glutamine 39 with histidine.
Molecular consequence: missense variant.
Genome position (GRCh38, 1-based): chr21:37,472,790, G>T. VCF-style: chr21-37472790-G-T. GRCh37 (hg19) VCF-style: chr21-38845092-G-T.
Other names: c.117G>T, p.Gln39His (NM_001347722.2, NM_001396.5, NM_101395.2 and 2 more transcripts); c.30G>T, p.Gln10His (NM_001347723.2); short protein forms Q10H, Q39H.
Identifiers: ClinVar variation 1311251 (VCV001311251.2), dbSNP rs2148556605, ClinGen allele CA409942531.
Genomic context (GRCh38, chr21:37,472,790, plus strand): 5'-GTCATTTTCATTCCATGCTGCTGGCCTTCAGATGGCTGGACAGATGCCCCATTCACATCA[G>T]TACAGTGACCGTCGCCAGCCAAACATAAGTGACCAACAGGTTTCTGCCTTATCATATTCT-3'
Protein context (NP_001334650.1, residues 29-49): QMAGQMPHSH[Gln39His]YSDRRQPNIS